The following is an entry in ClinVar:

ClinVar aggregate classification (germline): Conflicting classifications of pathogenicity. Review status: criteria provided, conflicting classifications (1 of 4 stars). 2 submissions from 2 submitters: Uncertain significance (1); Likely benign (1). Last evaluated 2026-02-16.

Conditions:
APOO-related disorder. Also called: APOO-related condition.

gnomAD v4.1: 95 of 1,186,572 alleles (0.008%); highest among the groups gnomAD compares: South Asian, 0.16%; 1 homozygote.

Submissions (2):

PreventionGenetics, part of Exact Sciences
Classification: Likely benign for APOO-related condition. Last evaluated: 2026-02-16. Review status: criteria provided, single submitter. Criteria: ACMG Guidelines, 2015. Collection method: clinical testing. Allele origin: germline.
Comment: This variant is classified as likely benign based on ACMG/AMP sequence variant interpretation guidelines (Richards et al. 2015 PMID: 25741868, with internal and published modifications).

Ambry Genetics
Classification: Uncertain significance. Last evaluated: 2024-12-30. Review status: criteria provided, single submitter. Criteria: Ambry Variant Classification Scheme 2023. Collection method: clinical testing. Allele origin: germline.

NM_024122.5(APOO):c.56T>C (p.Phe19Ser)

Gene: APOO (apolipoprotein O; minus strand). Cytogenetic location: Xp22.11.
Variant type: single nucleotide variant.
Coding change: c.56T>C on transcript NM_024122.5 (MANE Select); coding-DNA position 56, T replaced by C.
Protein change: p.Phe19Ser; replaces phenylalanine 19 with serine.
Molecular consequence: missense variant. On other transcripts: non-coding transcript variant (1).
Genome position (GRCh38, 1-based): chrX:23,880,906, A>G on the plus strand (T>C on the coding strand, the complement: APOO is on the minus strand). VCF-style: chrX-23880906-A-G. GRCh37 (hg19) VCF-style: chrX-23899023-A-G.
Other names: short protein forms F19S.
Identifiers: ClinVar variation 3886897 (VCV003886897.2).